The following is an entry in ClinVar:

ClinVar aggregate classification (germline): Uncertain significance (1 of 4 stars; one submission).

Submission:

Ambry Genetics
Classification: Uncertain significance. Last evaluated: 2024-08-02. Review status: criteria provided, single submitter. Criteria: Ambry Variant Classification Scheme 2023. Collection method: clinical testing. Allele origin: germline.
Comment: The p.K881R variant (also known as c.2642A>G), located in coding exon 1 of the MLH3 gene, results from an A to G substitution at nucleotide position 2642. The lysine at codon 881 is replaced by arginine, an amino acid with highly similar properties. This amino acid position is conserved. In addition, this alteration is predicted to be tolerated by in silico analysis. Based on the available evidence, the clinical significance of this variant remains unclear.

NM_001040108.2(MLH3):c.2642A>G (p.Lys881Arg)

Gene: MLH3 (mutL homolog 3; minus strand). Cytogenetic location: 14q24.3.
Variant type: single nucleotide variant.
Coding change: c.2642A>G on transcript NM_001040108.2 (MANE Select); coding-DNA position 2642, A replaced by G.
Protein change: p.Lys881Arg; replaces lysine 881 with arginine.
Molecular consequence: missense variant.
Genome position (GRCh38, 1-based): chr14:75,047,014, T>C on the plus strand (A>G on the coding strand, the complement: MLH3 is on the minus strand). VCF-style: chr14-75047014-T-C. GRCh37 (hg19) VCF-style: chr14-75513717-T-C.
Other names: c.2642A>G, p.Lys881Arg (NM_014381.3); short protein forms K881R.
Identifiers: ClinVar variation 3396678 (VCV003396678.1).